The following is an entry in ClinVar:

NM_001256789.3(CACNA1F):c.1322G>A (p.Arg441His)

Gene: CACNA1F (calcium voltage-gated channel subunit alpha1 F; minus strand). Cytogenetic location: Xp11.23.
Variant type: single nucleotide variant.
Coding change: c.1322G>A on transcript NM_001256789.3 (MANE Select); coding-DNA position 1322, G replaced by A.
Protein change: p.Arg441His; replaces arginine 441 with histidine.
Molecular consequence: missense variant.
Genome position (GRCh38, 1-based): chrX:49,226,657, C>T on the plus strand (G>A on the coding strand, the complement: CACNA1F is on the minus strand). VCF-style: chrX-49226657-C-T. GRCh37 (hg19) VCF-style: chrX-49083119-C-T.
Other names: c.1160G>A, p.Arg387His (NM_001256790.3); c.1355G>A, p.Arg452His (NM_005183.4); c.1355G>A (NM_005183.2); short protein forms R387H, R441H, R452H.
Identifiers: ClinVar variation 1057997 (VCV001057997.10), dbSNP rs1234852260, ClinGen allele CA412917938.

ClinVar aggregate classification (germline): Uncertain significance. Review status: criteria provided, multiple submitters, no conflicts (2 of 4 stars). 2 submissions from 2 submitters: Uncertain significance (2). Last evaluated 2022-08-15.

Conditions:
Inborn genetic diseases. Identifiers: MedGen C0950123, MeSH D030342.

Allele frequency attached by ClinVar (database versions not stated): gnomAD exomes 0.00002; gnomAD 0.00003; TOPMed 0.00003.
gnomAD v4.1: 21 of 1,182,363 alleles (0.0018%); highest among the groups gnomAD compares: African/African-American, 0.011%; no homozygotes.

Submissions (2):

Labcorp Genetics (formerly Invitae), Labcorp
Classification: Uncertain significance. Last evaluated: 2022-08-15. Review status: criteria provided, single submitter. Criteria: Invitae Variant Classification Sherloc (09022015). Collection method: clinical testing. Allele origin: germline.
Comment: In summary, the available evidence is currently insufficient to determine the role of this variant in disease. Therefore, it has been classified as a Variant of Uncertain Significance. Algorithms developed to predict the effect of missense changes on protein structure and function output the following: SIFT: "Tolerated"; PolyPhen-2: "Benign"; Align-GVGD: "Class C0". The histidine amino acid residue is found in multiple mammalian species, which suggests that this missense change does not adversely affect protein function. ClinVar contains an entry for this variant (Variation ID: 1057997). This variant has not been reported in the literature in individuals affected with CACNA1F-related conditions. This variant is present in population databases (no rsID available, gnomAD 0.02%). This sequence change replaces arginine, which is basic and polar, with histidine, which is basic and polar, at codon 452 of the CACNA1F protein (p.Arg452His).

Ambry Genetics
Classification: Uncertain significance for Inborn genetic diseases. Last evaluated: 2021-07-14. Review status: criteria provided, single submitter. Criteria: Ambry Variant Classification Scheme 2023. Collection method: clinical testing. Allele origin: germline.